The following is an entry in ClinVar:

ClinVar aggregate classification (germline): Uncertain significance (1 of 4 stars; one submission).

Conditions:
Cardiovascular phenotype. Identifiers: MedGen CN230736.

Allele frequency attached by ClinVar (database versions not stated): gnomAD exomes below 0.00001; TOPMed below 0.00001.
gnomAD v4.1: 1 of 1,613,358 alleles (0.000062%); highest among the groups gnomAD compares: South Asian, 0.0011%; no homozygotes.

Submission:

Ambry Genetics
Classification: Uncertain significance for Cardiovascular phenotype. Last evaluated: 2019-11-01. Review status: criteria provided, single submitter. Criteria: Ambry Variant Classification Scheme 2023. Collection method: clinical testing. Allele origin: germline.
Comment: The p.V21139I variant (also known as c.63415G>A), located in coding exon 162 of the TTN gene, results from a G to A substitution at nucleotide position 63415. The valine at codon 21139 is replaced by isoleucine, an amino acid with highly similar properties. This amino acid position is poorly conserved in available vertebrate species. In addition, this alteration is predicted to be tolerated by in silico analysis. Since supporting evidence is limited at this time, the clinical significance of this alteration remains unclear.

NM_001267550.2(TTN):c.90610G>A (p.Val30204Ile)

Genes: TTN (titin; minus strand), TTN-AS1 (TTN antisense RNA 1; plus strand). Cytogenetic location: 2q31.2.
Variant type: single nucleotide variant.
Coding change: c.90610G>A on transcript NM_001267550.2 (MANE Select); coding-DNA position 90610, G replaced by A.
Protein change: p.Val30204Ile; replaces valine 30204 with isoleucine.
Molecular consequence: missense variant.
Genome position (GRCh38, 1-based): chr2:178,552,290, C>T on the plus strand (G>A on the coding strand, the complement: TTN is on the minus strand). VCF-style: chr2-178552290-C-T. GRCh37 (hg19) VCF-style: chr2-179417017-C-T.
Other names: c.85687G>A, p.Val28563Ile (NM_001256850.1); c.63415G>A, p.Val21139Ile (NM_003319.4); c.82906G>A, p.Val27636Ile (NM_133378.4); c.63790G>A, p.Val21264Ile (NM_133432.3); c.63991G>A, p.Val21331Ile (NM_133437.4); short protein forms V21264I, V21139I, V28563I, V30204I, V21331I, V27636I.
Identifiers: ClinVar variation 1752961 (VCV001752961.2), dbSNP rs898701169, ClinGen allele CA60977621.